The following is an entry in ClinVar:

NM_006904.7(PRKDC):c.7703T>G (p.Met2568Arg)

Gene: PRKDC (protein kinase, DNA-activated, catalytic subunit; minus strand). Cytogenetic location: 8q11.21.
Variant type: single nucleotide variant.
Coding change: c.7703T>G on transcript NM_006904.7 (MANE Select); coding-DNA position 7703, T replaced by G.
Protein change: p.Met2568Arg; replaces methionine 2568 with arginine.
Molecular consequence: missense variant.
Genome position (GRCh38, 1-based): chr8:47,837,270, A>C on the plus strand (T>G on the coding strand, the complement: PRKDC is on the minus strand). VCF-style: chr8-47837270-A-C. GRCh37 (hg19) VCF-style: chr8-48749831-A-C.
Other names: c.7703T>G, p.Met2568Arg (NM_001081640.2); short protein forms M2568R.
Identifiers: ClinVar variation 4760250 (VCV004760250.1).

ClinVar aggregate classification (germline): Uncertain significance (1 of 4 stars; one submission).

Conditions:
Severe combined immunodeficiency due to DNA-PKcs deficiency. Also called: IMMUNODEFICIENCY 26 WITH NEUROLOGIC ABNORMALITIES; Immunodeficiency 26 with or without neurologic abnormalities. Identifiers: Orphanet 317425, MedGen C4014833, MONDO:0014423, OMIM 615966.

gnomAD v4.1: 3 of 1,613,954 alleles (0.00019%); highest among the groups gnomAD compares: African/African-American, 0.0013%; no homozygotes.

Submission:

Labcorp Genetics (formerly Invitae), Labcorp
Classification: Uncertain significance for Severe combined immunodeficiency due to DNA-PKcs deficiency. Last evaluated: 2025-12-27. Review status: criteria provided, single submitter. Criteria: Invitae Variant Classification Sherloc (09022015). Collection method: clinical testing. Allele origin: germline.
Comment: This sequence change replaces methionine, which is neutral and non-polar, with arginine, which is basic and polar, at codon 2568 of the PRKDC protein (p.Met2568Arg). This variant is not present in population databases (gnomAD no frequency). This variant has not been reported in the literature in individuals affected with PRKDC-related conditions. Invitae Evidence Modeling of protein sequence and biophysical properties (such as structural, functional, and spatial information, amino acid conservation, physicochemical variation, residue mobility, and thermodynamic stability) indicates that this missense variant is not expected to disrupt PRKDC protein function with a negative predictive value of 80%. In summary, the available evidence is currently insufficient to determine the role of this variant in disease. Therefore, it has been classified as a Variant of Uncertain Significance.